The following is an entry in ClinVar:

ClinVar aggregate classification (germline): Likely benign (1 of 4 stars; one submission).

Conditions:
GARS1-related disorder. Also called: GARS1-related condition.

gnomAD v4.1: 29 of 1,562,816 alleles (0.0019%); highest among the groups gnomAD compares: African/African-American, 0.039%; no homozygotes.

Submission:

PreventionGenetics, part of Exact Sciences
Classification: Likely benign for GARS1-related condition. Last evaluated: 2025-08-29. Review status: criteria provided, single submitter. Criteria: ACMG Guidelines, 2015. Collection method: clinical testing. Allele origin: germline.
Comment: This variant is classified as likely benign based on ACMG/AMP sequence variant interpretation guidelines (Richards et al. 2015 PMID: 25741868, with internal and published modifications).

NM_002047.4(GARS1):c.-9C>T

Gene: GARS1 (glycyl-tRNA synthetase 1; plus strand). Cytogenetic location: 7p14.3.
Variant type: single nucleotide variant.
Coding change: c.-9C>T on transcript NM_002047.4 (MANE Select); 9 bases upstream of the start codon, C replaced by T.
Molecular consequence: 5 prime UTR variant.
Genome position (GRCh38, 1-based): chr7:30,594,913, C>T. VCF-style: chr7-30594913-C-T. GRCh37 (hg19) VCF-style: chr7-30634529-C-T.
Other names: c.-171C>T (NM_001316772.1).
Identifiers: ClinVar variation 4989402 (VCV004989402.1).
Genomic context (GRCh38, chr7:30,594,913, plus strand): 5'-TGCTCCGAGCCGGGCGGCGCGCGCCGCTTCCGTCGCCACCCTCTCTGGACAGCCCAGGGC[C>T]GCAGGCTCATGCCCTCTCCGCGTCCAGTGCTGCTTAGAGGTGCTCGCGCCGCTCTGCTGC-3'